The following is an entry in ClinVar:

NM_001242.5(CD27):c.698A>G (p.His233Arg)

Genes: CD27 (CD27 molecule; plus strand), CD27-AS1 (CD27 antisense RNA 1; minus strand), LOC130007243 (ATAC-STARR-seq lymphoblastoid active region 5860; plus strand). Cytogenetic location: 12p13.31.
Variant type: single nucleotide variant.
Coding change: c.698A>G on transcript NM_001242.5 (MANE Select); coding-DNA position 698, A replaced by G.
Protein change: p.His233Arg; replaces histidine 233 with arginine.
Molecular consequence: missense variant. On other transcripts: no sequence alteration (1), non-coding transcript variant (1).
Genome position (GRCh38, 1-based): chr12:6,451,307, A>G. VCF-style: chr12-6451307-A-G. GRCh37 (hg19) VCF-style: chr12-6560473-A-G.
Other names: c.698A>G (NM_001242.4); short protein forms H233R.
Identifiers: ClinVar variation 402517 (VCV000402517.19), dbSNP rs2532502, ClinGen allele CA6407078.

ClinVar aggregate classification (germline): Benign/Likely benign. Review status: criteria provided, multiple submitters, no conflicts (2 of 4 stars). 6 submissions from 6 submitters: Benign (5); Likely benign (1). Last evaluated 2026-02-04.

Conditions:
Lymphoproliferative syndrome 2 (LPFS2). Also called: CD27 DEFICIENCY; Combined immunodeficiency due to CD27 deficiency. Identifiers: Orphanet 238505, MedGen C3554540, MONDO:0014054, OMIM 615122.

Allele frequency attached by ClinVar (database versions not stated): ESP Exome Variant Server 0.99170; ExAC 0.99261; TOPMed 0.99337; gnomAD 0.99357 and 0.99370; 1000 Genomes Project 0.99740; 1000 Genomes Project 30x 0.99781.
gnomAD v4.1: 1,599,056 of 1,614,090 alleles (99%); highest among the groups gnomAD compares: East Asian, 100%; 792,098 homozygotes.

Submissions (6):

Labcorp Genetics (formerly Invitae), Labcorp
Classification: Benign for Lymphoproliferative syndrome 2. Last evaluated: 2026-02-04. Review status: criteria provided, single submitter. Criteria: Invitae Variant Classification Sherloc (09022015). Collection method: clinical testing. Allele origin: germline.

Blueprint Genetics
Classification: Likely benign. Last evaluated: 2024-11-27. Review status: criteria provided, single submitter. Criteria: ACMG Guidelines, 2015. Collection method: clinical testing. Allele origin: germline.

Unidad de Genómica Garrahan, Hospital de Pediatría Garrahan
Classification: Benign. Last evaluated: 2023-11-02. Review status: criteria provided, single submitter. Criteria: ACMG Guidelines, 2015. Collection method: clinical testing. Allele origin: germline. Affected: no. Observed: 96 variant alleles.
Comment: This variant is classified as Benign based on local population frequency. This variant was detected in 100% of patients studied by a panel of primary immunodeficiencies. Number of patients: 96. Only high quality variants are reported.

Genome-Nilou Lab
Classification: Benign for Lymphoproliferative syndrome 2. Last evaluated: 2021-07-14. Review status: criteria provided, single submitter. Criteria: ACMG Guidelines, 2015. Collection method: clinical testing. Allele origin: germline. Affected: no.

Laboratory for Molecular Medicine, Mass General Brigham Personalized Medicine
Classification: Benign. Last evaluated: 2016-03-28. Review status: criteria provided, single submitter. Criteria: LMM Criteria. Collection method: clinical testing. Allele origin: germline.
Comment: Variant identified in a genome or exome case(s) and assessed due to predicted null impact of the variant or pathogenic assertions in the literature or databases. Disclaimer: This variant has not undergone full assessment. The following are preliminary notes: MAF

Breakthrough Genomics
Classification: Benign. Review status: criteria provided, single submitter. Criteria: ACMG Guidelines, 2015. Collection method: not provided. Allele origin: germline. Inheritance: Autosomal recessive inheritance. Affected: yes.